The following is an entry in ClinVar:

ClinVar aggregate classification (germline): Likely benign. Review status: criteria provided, multiple submitters, no conflicts (2 of 4 stars). 3 submissions from 3 submitters: Likely benign (3). Last evaluated 2024-12-01.

Conditions:
Inborn genetic diseases. Identifiers: MedGen C0950123, MeSH D030342.

Allele frequency attached by ClinVar (database versions not stated): gnomAD exomes 0.00001; gnomAD 0.00003.
gnomAD v4.1: 16 of 1,591,884 alleles (0.001%); highest among the groups gnomAD compares: Admixed American, 0.027%; no homozygotes.

Submissions (3):

CeGaT Center for Human Genetics Tuebingen
Classification: Likely benign. Last evaluated: 2024-12-01. Review status: criteria provided, single submitter. Criteria: CeGaT Center For Human Genetics Tuebingen Variant Classification Criteria Version 2. Collection method: clinical testing. Allele origin: germline. Affected: yes. Observed: 1 variant allele.
Comment: MAST1: BS1

Labcorp Genetics (formerly Invitae), Labcorp
Classification: Likely benign. Last evaluated: 2024-11-30. Review status: criteria provided, single submitter. Criteria: Invitae Variant Classification Sherloc (09022015). Collection method: clinical testing. Allele origin: germline.

Ambry Genetics
Classification: Likely benign for Inborn genetic diseases. Last evaluated: 2022-06-24. Review status: criteria provided, single submitter. Criteria: Ambry Variant Classification Scheme 2023. Collection method: clinical testing. Allele origin: germline.

NM_014975.3(MAST1):c.2410C>T (p.Pro804Ser)

Genes: MAST1 (microtubule associated serine/threonine kinase 1; plus strand), LOC112543452 (Sharpr-MPRA regulatory region 6054; plus strand). Cytogenetic location: 19p13.13.
Variant type: single nucleotide variant.
Coding change: c.2410C>T on transcript NM_014975.3 (MANE Select); coding-DNA position 2410, C replaced by T.
Protein change: p.Pro804Ser; replaces proline 804 with serine.
Molecular consequence: missense variant.
Genome position (GRCh38, 1-based): chr19:12,867,821, C>T. VCF-style: chr19-12867821-C-T. GRCh37 (hg19) VCF-style: chr19-12978635-C-T.
Other names: short protein forms P804S.
Identifiers: ClinVar variation 2408753 (VCV002408753.18), dbSNP rs1324364675, ClinGen allele CA404279211.